The following is an entry in ClinVar:

NM_000383.4(AIRE):c.889G>A (p.Asp297Asn)

Gene: AIRE (autoimmune regulator; plus strand). Cytogenetic location: 21q22.3.
Variant type: single nucleotide variant.
Coding change: c.889G>A on transcript NM_000383.4 (MANE Select); coding-DNA position 889, G replaced by A.
Protein change: p.Asp297Asn; replaces aspartic acid 297 with asparagine.
Molecular consequence: missense variant.
Genome position (GRCh38, 1-based): chr21:44,291,104, G>A. VCF-style: chr21-44291104-G-A. GRCh37 (hg19) VCF-style: chr21-45710987-G-A.
Other names: short protein forms D297N.
Identifiers: ClinVar variation 999760 (VCV000999760.8), dbSNP rs2040534355, ClinGen allele CA410424809.

ClinVar aggregate classification (germline): Uncertain significance (1 of 4 stars; one submission).

Conditions:
Polyglandular autoimmune syndrome, type 1 (APS1). Also called: Whitaker syndrome; Autoimmune polyendocrinopathy syndrome , type I, with or without reversible metaphyseal dysplasia; HYPOADRENOCORTICISM WITH HYPOPARATHYROIDISM AND SUPERFICIAL MONILIASIS; Autoimmune polyendocrine syndrome type 1; AUTOIMMUNE POLYENDOCRINE SYNDROME, TYPE I, WITH OR WITHOUT REVERSIBLE METAPHYSEAL DYSPLASIA; PGA I. Identifiers: Orphanet 3453, MedGen C0085859, MONDO:0009411, OMIM 240300.

Submission:

Labcorp Genetics (formerly Invitae), Labcorp
Classification: Uncertain significance for Polyglandular autoimmune syndrome, type 1. Last evaluated: 2020-07-13. Review status: criteria provided, single submitter. Criteria: Invitae Variant Classification Sherloc (09022015). Collection method: clinical testing. Allele origin: germline.
Comment: Algorithms developed to predict the effect of missense changes on protein structure and function are either unavailable or do not agree on the potential impact of this missense change (SIFT: "Deleterious"; PolyPhen-2: "Probably Damaging"; Align-GVGD: "Class C15"). This variant has not been reported in the literature in individuals with AIRE-related conditions. This variant is not present in population databases (ExAC no frequency). This sequence change replaces aspartic acid with asparagine at codon 297 of the AIRE protein (p.Asp297Asn). The aspartic acid residue is highly conserved and there is a small physicochemical difference between aspartic acid and asparagine. In summary, the available evidence is currently insufficient to determine the role of this variant in disease. Therefore, it has been classified as a Variant of Uncertain Significance.